The following is an entry in ClinVar:

ClinVar aggregate classification (germline): Uncertain significance (1 of 4 stars; one submission).

Submission:

GeneDx
Classification: Uncertain significance. Last evaluated: 2022-11-21. Review status: criteria provided, single submitter. Criteria: GeneDx Variant Classification Process June 2021. Collection method: clinical testing. Allele origin: germline. Affected: yes.
Comment: Not observed at significant frequency in large population cohorts (gnomAD); In silico analysis supports that this missense variant has a deleterious effect on protein structure/function; Has not been previously published as pathogenic or benign to our knowledge

NM_181672.3(OGT):c.241G>A (p.Ala81Thr)

Gene: OGT (O-linked N-acetylglucosamine (GlcNAc) transferase; plus strand). Cytogenetic location: Xq13.1.
Variant type: single nucleotide variant.
Coding change: c.241G>A on transcript NM_181672.3 (MANE Select); coding-DNA position 241, G replaced by A.
Protein change: p.Ala81Thr; replaces alanine 81 with threonine.
Molecular consequence: missense variant.
Genome position (GRCh38, 1-based): chrX:71,537,851, G>A. VCF-style: chrX-71537851-G-A. GRCh37 (hg19) VCF-style: chrX-70757701-G-A.
Other names: c.211G>A, p.Ala71Thr (NM_181673.3); short protein forms A71T, A81T.
Identifiers: ClinVar variation 2502553 (VCV002502553.1), dbSNP rs2522818269, ClinGen allele CA413535680.
Genomic context (GRCh38, chrX:71,537,851, plus strand): 5'-GTGCATACCCATGCATTAACACTTGTCGCCTTTTCCAGATCTGCTCACTTTAGCACTCTG[G>A]CAATTAAACAGAACCCCCTTCTGGCAGAAGCTTATTCGAATTTGGGGAATGTGTACAAGG-3'
Protein context (NP_858058.1, residues 71-91): LDRSAHFSTL[Ala81Thr]IKQNPLLAEA